The following is an entry in ClinVar:

ClinVar aggregate classification (germline): Conflicting classifications of pathogenicity. Review status: criteria provided, conflicting classifications (1 of 4 stars). 2 submissions from 2 submitters: Uncertain significance (1); Benign (1). Last evaluated 2025-01-09.

Conditions:
Hereditary cancer-predisposing syndrome. Also called: Neoplastic Syndromes, Hereditary; Tumor predisposition; Hereditary neoplastic syndrome; Hereditary Cancer Syndrome. Identifiers: Orphanet 140162, MedGen C0027672, MeSH D009386, MONDO:0015356.
Lynch syndrome 5 (LYNCH5). Also called: Colorectal cancer, hereditary nonpolyposis, type 5; Hereditary non-polyposis colorectal cancer, type 5. Identifiers: Orphanet 144, MedGen C1833477, MONDO:0013710, OMIM 614350. Disease mechanism: loss of function.

Submissions (2):

Myriad Genetics, Inc.
Classification: Benign for Lynch syndrome 5. Last evaluated: 2025-01-09. Review status: criteria provided, single submitter. Criteria: Myriad Autosomal Dominant, Autosomal Recessive and X-Linked Classification Criteria (2023). Collection method: clinical testing. Allele origin: unknown.
Comment: This variant is considered benign. This variant occurs in the non-coding 3' untranslated region of the gene, and is not expected to impact protein function.

Ambry Genetics
Classification: Uncertain significance for Hereditary cancer-predisposing syndrome. Last evaluated: 2018-03-28. Review status: criteria provided, single submitter. Criteria: Ambry Variant Classification Scheme 2023. Collection method: clinical testing. Allele origin: germline.
Comment: The c.4082_*2dupAGAC variant is located in the 3' untranslated region (3'UTR) of the MSH6 gene. This variant results from the duplication of AGAC at nucleotide position 4082 to two nucleotides after the termination codon. This alteration occurs within the non-coding region of the gene and may not interfere with gene function. Since supporting evidence is limited at this time, the clinical significance of this alteration remains unclear.

NM_000179.3(MSH6):c.4082_*2dup (p.Ter1361=)

Gene: MSH6 (mutS homolog 6; plus strand). Cytogenetic location: 2p16.3.
Variant type: Duplication.
Coding change: c.4082_*2dup on transcript NM_000179.3 (MANE Select); coding-DNA position 4082 through 2 bases downstream of the stop codon, 4 bases duplicated (AGAC; older notation c.4082_*2dupAGAC).
Protein change: p.Ter1361=.
Molecular consequence: no sequence alteration.
Genome position (GRCh38, 1-based): chr2:47,806,859-47,806,862, AGAC duplicated. VCF-style (leftmost placement, unchanged base first): chr2-47806858-T-TAGAC. GRCh37 (hg19) VCF-style: chr2-48033997-T-TAGAC.
Other names: c.3692_*2dup, p.Ter1231= (NM_001281492.2); c.3176_*2dup, p.Ter1059= (NM_001281493.2, NM_001281494.2).
Identifiers: ClinVar variation 824574 (VCV000824574.5), dbSNP rs1572750569, ClinGen allele CA915943995.